The following is an entry in ClinVar:

NM_001267550.2(TTN):c.30967G>T (p.Glu10323Ter)

Gene: TTN (titin; minus strand). Cytogenetic location: 2q31.2.
Variant type: single nucleotide variant.
Coding change: c.30967G>T on transcript NM_001267550.2 (MANE Select); coding-DNA position 30967, G replaced by T.
Protein change: p.Glu10323Ter; replaces glutamic acid 10323 with a stop codon.
Molecular consequence: nonsense. On other transcripts: intron variant (3).
Genome position (GRCh38, 1-based): chr2:178,696,105, C>A on the plus strand (G>T on the coding strand, the complement: TTN is on the minus strand). VCF-style: chr2-178696105-C-A. GRCh37 (hg19) VCF-style: chr2-179560832-C-A.
Other names: c.30016G>T, p.Glu10006Ter (NM_001256850.1); c.27235G>T, p.Glu9079Ter (NM_133378.4); c.13282+41977G>T (NM_003319.4); c.13858+41977G>T (NM_133437.4); c.13657+41977G>T (NM_133432.3); short protein forms E10323*, E9079*, E10006*.
Identifiers: ClinVar variation 466999 (VCV000466999.11), dbSNP rs1425322355, ClinGen allele CA349566116.

ClinVar aggregate classification (germline): Conflicting classifications of pathogenicity. Review status: criteria provided, conflicting classifications (1 of 4 stars). 2 submissions from 2 submitters: Likely pathogenic (1); Uncertain significance (1). Last evaluated 2025-04-02.

Conditions:
Autosomal recessive limb-girdle muscular dystrophy type 2J (LGMDR10). Also called: Limb-girdle muscular dystrophy, type 2J; MUSCULAR DYSTROPHY, LIMB-GIRDLE, AUTOSOMAL RECESSIVE 10. Identifiers: Orphanet 140922, MedGen C1837342, MONDO:0012127, OMIM 608807.
Dilated cardiomyopathy 1G (CMD1G). Identifiers: Orphanet 154, MedGen C1858763, MONDO:0011400, OMIM 604145.

Submissions (2):

Labcorp Genetics (formerly Invitae), Labcorp
Classification: Likely pathogenic for Dilated cardiomyopathy 1G; Autosomal recessive limb-girdle muscular dystrophy type 2J. Last evaluated: 2025-04-02. Review status: criteria provided, single submitter. Criteria: Invitae Variant Classification Sherloc (09022015). Collection method: clinical testing. Allele origin: germline.
Comment: This sequence change creates a premature translational stop signal (p.Glu10323*) in the TTN gene. While this is not anticipated to result in nonsense mediated decay, it is expected to create a truncated TTN protein. This variant is not present in population databases (gnomAD no frequency). This variant has not been reported in the literature in individuals affected with TTN-related conditions. ClinVar contains an entry for this variant (Variation ID: 466999). This variant is located in the I band of TTN (PMID: 25589632). Truncating variants in this region have been reported in individuals affected with autosomal recessive centronuclear myopathy (PMID: 23975875, internal data). Truncating variants in this region have also been identified in individuals affected with autosomal dominant dilated cardiomyopathy and/or cardio-related conditions (PMID: 27869827, 32964742, internal data). In summary, the currently available evidence indicates that the variant is pathogenic, but additional data are needed to prove that conclusively. Therefore, this variant has been classified as Likely Pathogenic.

Revvity Omics, Revvity
Classification: Uncertain significance. Last evaluated: 2019-08-05. Review status: criteria provided, single submitter. Criteria: ACMG Guidelines, 2015. Collection method: clinical testing. Allele origin: germline.

Literature cited by the submitters: PubMed 25589632 (cited by Labcorp Genetics (formerly Invitae), Labcorp); PubMed 23975875 (cited by Labcorp Genetics (formerly Invitae), Labcorp); PubMed 27869827 (cited by Labcorp Genetics (formerly Invitae), Labcorp); PubMed 32964742 (cited by Labcorp Genetics (formerly Invitae), Labcorp).